The following is an entry in ClinVar:

NM_000466.3(PEX1):c.1104A>C (p.Lys368Asn)

Gene: PEX1 (peroxisomal biogenesis factor 1; minus strand). Cytogenetic location: 7q21.2.
Variant type: single nucleotide variant.
Coding change: c.1104A>C on transcript NM_000466.3 (MANE Select); coding-DNA position 1104, A replaced by C.
Protein change: p.Lys368Asn; replaces lysine 368 with asparagine.
Molecular consequence: missense variant.
Genome position (GRCh38, 1-based): chr7:92,517,411, T>G on the plus strand (A>C on the coding strand, the complement: PEX1 is on the minus strand). VCF-style: chr7-92517411-T-G. GRCh37 (hg19) VCF-style: chr7-92146725-T-G.
Other names: c.1104A>C, p.Lys368Asn (NM_001282677.2); c.480A>C, p.Lys160Asn (NM_001282678.2); short protein forms K160N, K368N.
Identifiers: ClinVar variation 1460928 (VCV001460928.3), dbSNP rs2116243334, ClinGen allele CA368198046.

ClinVar aggregate classification (germline): Uncertain significance (1 of 4 stars; one submission).

Conditions:
Zellweger spectrum disorders (ZS). Also called: Zellweger Spectrum Disorder (ZSD); Zellweger Spectrum Disorder; Zellweger Spectrum; Zellweger syndrome. Identifiers: Orphanet 912, MedGen C0043459, MONDO:0019609.

Allele frequency attached by ClinVar (database versions not stated): gnomAD exomes below 0.00001.
gnomAD v4.1: 1 of 1,614,048 alleles (0.000062%); highest among the groups gnomAD compares: Non-Finnish European, 0.000085%; no homozygotes.

Submission:

Labcorp Genetics (formerly Invitae), Labcorp
Classification: Uncertain significance for Zellweger spectrum disorders. Last evaluated: 2021-12-02. Review status: criteria provided, single submitter. Criteria: Invitae Variant Classification Sherloc (09022015). Collection method: clinical testing. Allele origin: germline.
Comment: This sequence change replaces lysine, which is basic and polar, with asparagine, which is neutral and polar, at codon 368 of the PEX1 protein (p.Lys368Asn). This variant is not present in population databases (gnomAD no frequency). This variant has not been reported in the literature in individuals affected with PEX1-related conditions. Advanced modeling of protein sequence and biophysical properties (such as structural, functional, and spatial information, amino acid conservation, physicochemical variation, residue mobility, and thermodynamic stability) performed at Invitae indicates that this missense variant is not expected to disrupt PEX1 protein function. In summary, the available evidence is currently insufficient to determine the role of this variant in disease. Therefore, it has been classified as a Variant of Uncertain Significance.